The following is an entry in ClinVar:

NM_001048174.2(MUTYH):c.1463C>G (p.Pro488Arg)

Gene: MUTYH (mutY DNA glycosylase; minus strand). Cytogenetic location: 1p34.1.
Variant type: single nucleotide variant.
Coding change: c.1463C>G on transcript NM_001048174.2 (MANE Select); coding-DNA position 1463, C replaced by G.
Protein change: p.Pro488Arg; replaces proline 488 with arginine.
Molecular consequence: missense variant. On other transcripts: non-coding transcript variant (2).
Genome position (GRCh38, 1-based): chr1:45,329,409, G>C on the plus strand (C>G on the coding strand, the complement: MUTYH is on the minus strand). VCF-style: chr1-45329409-G-C. GRCh37 (hg19) VCF-style: chr1-45795081-G-C.
Other names: c.1505C>G, p.Pro502Arg (NM_001407083.1, NM_001407085.1); c.1466C>G, p.Pro489Arg (NM_001407086.1, NM_001048172.2, NM_001407071.1 and 1 more transcripts); c.1484C>G, p.Pro495Arg (NM_001407087.1); c.1463C>G, p.Pro488Arg (NM_001407088.1, NM_001407089.1, NM_001048171.2 and 6 more transcripts); c.1187C>G, p.Pro396Arg (NM_001407091.1, NM_001293192.2, NM_001293196.2); c.1538C>G, p.Pro513Arg (NM_012222.3); c.1547C>G, p.Pro516Arg (NM_001128425.2); c.1508C>G, p.Pro503Arg (NM_001293190.2); and 5 more; short protein forms P373R, P474R, P488R, P396R, P460R, P495R, P502R, P503R.
Identifiers: ClinVar variation 1774957 (VCV001774957.6), dbSNP rs587778542, ClinGen allele CA340131858.

ClinVar aggregate classification (germline): Conflicting classifications of pathogenicity. Review status: criteria provided, conflicting classifications (1 of 4 stars). 2 submissions from 2 submitters: Uncertain significance (1); Benign (1). Last evaluated 2025-09-09.

Conditions:
Familial adenomatous polyposis 2. Also called: MYH-associated polyposis; Adenomas, multiple colorectal; COLORECTAL ADENOMATOUS POLYPOSIS, AUTOSOMAL RECESSIVE; ADENOMAS, MULTIPLE COLORECTAL, AUTOSOMAL RECESSIVE; MUTYH Polyposis; FAP type 2. Identifiers: Orphanet 220460, Orphanet 247798, MedGen C3272841, MONDO:0012041, OMIM 608456.
Hereditary cancer-predisposing syndrome. Also called: Tumor predisposition; Neoplastic Syndromes, Hereditary; Hereditary Cancer Syndrome; Hereditary neoplastic syndrome. Identifiers: Orphanet 140162, MedGen C0027672, MeSH D009386, MONDO:0015356.

Submissions (2):

Ambry Genetics
Classification: Benign for Hereditary cancer-predisposing syndrome. Last evaluated: 2025-09-09. Review status: criteria provided, single submitter. Criteria: Ambry Variant Classification Scheme 2023. Collection method: clinical testing. Allele origin: germline.

Labcorp Genetics (formerly Invitae), Labcorp
Classification: Uncertain significance for Familial adenomatous polyposis 2. Last evaluated: 2023-11-02. Review status: criteria provided, single submitter. Criteria: Invitae Variant Classification Sherloc (09022015). Collection method: clinical testing. Allele origin: germline.
Comment: This sequence change replaces proline, which is neutral and non-polar, with arginine, which is basic and polar, at codon 516 of the MUTYH protein (p.Pro516Arg). This variant is not present in population databases (gnomAD no frequency). This variant has not been reported in the literature in individuals affected with MUTYH-related conditions. ClinVar contains an entry for this variant (Variation ID: 1774957). An algorithm developed to predict the effect of missense changes on protein structure and function (PolyPhen-2) suggests that this variant is likely to be disruptive. In summary, the available evidence is currently insufficient to determine the role of this variant in disease. Therefore, it has been classified as a Variant of Uncertain Significance.